The following is an entry in ClinVar:

NM_032776.3(JMJD1C):c.6812A>G (p.Lys2271Arg)

Gene: JMJD1C (jumonji domain containing 1C; minus strand). Cytogenetic location: 10q21.3.
Variant type: single nucleotide variant.
Coding change: c.6812A>G on transcript NM_032776.3 (MANE Select); coding-DNA position 6812, A replaced by G.
Protein change: p.Lys2271Arg; replaces lysine 2271 with arginine.
Molecular consequence: missense variant. On other transcripts: non-coding transcript variant (1).
Genome position (GRCh38, 1-based): chr10:63,185,581, T>C on the plus strand (A>G on the coding strand, the complement: JMJD1C is on the minus strand). VCF-style: chr10-63185581-T-C. GRCh37 (hg19) VCF-style: chr10-64945341-T-C.
Other names: c.6266A>G, p.Lys2089Arg (NM_001282948.2, NM_001318154.2); c.5948A>G, p.Lys1983Arg (NM_001318153.2); c.6698A>G, p.Lys2233Arg (NM_001322252.2); c.6155A>G, p.Lys2052Arg (NM_001322254.2, NM_001322258.2); short protein forms K2052R, K2233R, K1983R, K2089R, K2271R.
Identifiers: ClinVar variation 2692852 (VCV002692852.3), dbSNP rs1221873874, ClinGen allele CA377021616.

ClinVar aggregate classification (germline): Uncertain significance (1 of 4 stars; one submission).

Conditions:
Early Myoclonic Encephalopathy. Identifiers: MedGen C0270855.

Allele frequency attached by ClinVar (database versions not stated): TOPMed below 0.00001; gnomAD 0.00001.

Submission:

Labcorp Genetics (formerly Invitae), Labcorp
Classification: Uncertain significance for Early Myoclonic Encephalopathy. Last evaluated: 2023-06-05. Review status: criteria provided, single submitter. Criteria: Invitae Variant Classification Sherloc (09022015). Collection method: clinical testing. Allele origin: germline.
Comment: In summary, the available evidence is currently insufficient to determine the role of this variant in disease. Therefore, it has been classified as a Variant of Uncertain Significance. Advanced modeling of protein sequence and biophysical properties (such as structural, functional, and spatial information, amino acid conservation, physicochemical variation, residue mobility, and thermodynamic stability) performed at Invitae indicates that this missense variant is not expected to disrupt JMJD1C protein function. This variant has not been reported in the literature in individuals affected with JMJD1C-related conditions. This variant is not present in population databases (gnomAD no frequency). This sequence change replaces lysine, which is basic and polar, with arginine, which is basic and polar, at codon 2271 of the JMJD1C protein (p.Lys2271Arg).